The following is an entry in ClinVar:

NM_017617.5(NOTCH1):c.3836G>A (p.Arg1279His)

Gene: NOTCH1 (notch receptor 1; minus strand). Cytogenetic location: 9q34.3.
Variant type: single nucleotide variant.
Coding change: c.3836G>A on transcript NM_017617.5 (MANE Select); coding-DNA position 3836, G replaced by A.
Protein change: p.Arg1279His; replaces arginine 1279 with histidine.
Molecular consequence: missense variant.
Genome position (GRCh38, 1-based): chr9:136,506,781, C>T on the plus strand (G>A on the coding strand, the complement: NOTCH1 is on the minus strand). VCF-style: chr9-136506781-C-T. GRCh37 (hg19) VCF-style: chr9-139401233-C-T.
Other names: p.Arg1279His; c.3836G>A, p.Arg1279His (LRG_1122t1); c.3836G>A (NM_017617.4); short protein forms R1279H.
Identifiers: ClinVar variation 134930 (VCV000134930.66), dbSNP rs61751543, ClinGen allele CA161187.

ClinVar aggregate classification (germline): Benign/Likely benign. Review status: criteria provided, multiple submitters, no conflicts (2 of 4 stars). 21 submissions from 20 submitters: Benign (11); Likely benign (2). 8 of the submissions do not count toward it. Last evaluated 2026-09-01.

Conditions:
Hypoplastic left heart syndrome. Also called: Hypoplastic left ventricle; Hypoplastic left heart. Identifiers: Orphanet 2248, MedGen C0152101, MONDO:0004933, HP:0004383.
Adams-Oliver syndrome 5 (AOS5). Identifiers: Orphanet 974, MedGen C4014970, MONDO:0014459, OMIM 616028.
Aortic valve disease 1 (AOVD1). Identifiers: MedGen C3887892, MONDO:0024523, OMIM 109730.
Familial thoracic aortic aneurysm and aortic dissection (TAAD). Also called: Thoracic aortic aneurysms and dissections. Identifiers: Orphanet 91387, MedGen C4707243, MONDO:0019625.

Allele frequency attached by ClinVar (database versions not stated): gnomAD exomes 0.01530 and 0.02329; 1000 Genomes Project 0.00719; TOPMed 0.01477; 1000 Genomes Project 30x 0.00671; gnomAD 0.01592 and 0.01655; ESP Exome Variant Server 0.01672; ExAC 0.02012.
gnomAD v4.1: 36,145 of 1,609,884 alleles (2.2%); highest among the groups gnomAD compares: Non-Finnish European, 2.7%; 495 homozygotes.

Submissions (21):

CeGaT Center for Human Genetics Tuebingen
Classification: Benign. Last evaluated: 2026-09-01. Review status: criteria provided, single submitter. Criteria: CeGaT Center For Human Genetics Tuebingen Variant Classification Criteria Version 2. Collection method: clinical testing. Allele origin: germline. Affected: yes. Observed: 70 variant alleles.
Comment: NOTCH1: BS1, BS2

Labcorp Genetics (formerly Invitae), Labcorp
Classification: Benign for Adams-Oliver syndrome 5. Last evaluated: 2026-02-04. Review status: criteria provided, single submitter. Criteria: Invitae Variant Classification Sherloc (09022015). Collection method: clinical testing. Allele origin: germline.

ARUP Laboratories, Molecular Genetics and Genomics, ARUP Laboratories
Classification: Benign. Last evaluated: 2025-07-28. Review status: criteria provided, single submitter. Criteria: ARUP Molecular Germline Variant Investigation Process 2024. Collection method: clinical testing. Allele origin: germline.

Blueprint Genetics
Classification: Benign. Last evaluated: 2024-11-27. Review status: criteria provided, single submitter. Criteria: ACMG Guidelines, 2015. Collection method: clinical testing. Allele origin: germline.

Women's Health and Genetics/Laboratory Corporation of America, LabCorp
Classification: Likely benign. Last evaluated: 2023-04-09. Review status: criteria provided, single submitter. Criteria: LabCorp Variant Classification Summary - May 2015. Collection method: clinical testing. Allele origin: germline.

Genome-Nilou Lab
Classification: Benign for Adams-Oliver syndrome 5. Last evaluated: 2022-03-15. Review status: criteria provided, single submitter. Criteria: ACMG Guidelines, 2015. Collection method: clinical testing. Allele origin: germline. Affected: no.

Genome-Nilou Lab
Classification: Benign for Aortic valve disease 1. Last evaluated: 2022-03-15. Review status: criteria provided, single submitter. Criteria: ACMG Guidelines, 2015. Collection method: clinical testing. Allele origin: germline. Affected: no.

Fulgent Genetics
Classification: Likely benign for Aortic valve disease 1; Adams-Oliver syndrome 5. Last evaluated: 2021-10-08. Review status: criteria provided, single submitter. Criteria: ACMG Guidelines, 2015. Collection method: clinical testing. Allele origin: unknown.

Mayo Clinic Laboratories, Mayo Clinic
Classification: Benign. Last evaluated: 2017-11-17. Review status: criteria provided, single submitter. Criteria: ACMG Guidelines, 2015. Collection method: clinical testing. Allele origin: germline. Observed: 62 variant alleles.

GeneDx
Classification: Benign. Last evaluated: 2016-10-05. Review status: criteria provided, single submitter. Criteria: GeneDx Variant Classification (06012015). Collection method: clinical testing. Allele origin: germline. Affected: yes.
Comment: This variant is considered likely benign or benign based on one or more of the following criteria: it is a conservative change, it occurs at a poorly conserved position in the protein, it is predicted to be benign by multiple in silico algorithms, and/or has population frequency not consistent with disease.

Eurofins Ntd Llc (ga)
Classification: Benign. Last evaluated: 2015-04-06. Review status: criteria provided, single submitter. Criteria: EGL Classification Definitions 2015. Collection method: clinical testing. Allele origin: germline. Observed: 1 variant allele, 1 heterozygote.

Ambry Genetics
Classification: Benign for Familial thoracic aortic aneurysm and aortic dissection. Last evaluated: 2015-02-23. Review status: criteria provided, single submitter. Criteria: Ambry Variant Classification Scheme 2023. Collection method: clinical testing. Allele origin: germline.

Breakthrough Genomics
Classification: Benign. Review status: criteria provided, single submitter. Criteria: ACMG Guidelines, 2015. Collection method: not provided. Allele origin: germline. Inheritance: Autosomal dominant inheritance. Affected: yes.

ITMI
No classification provided. Condition: AllHighlyPenetrant. Last evaluated: 2013-09-19. Review status: no classification provided. Collection method: reference population. Allele origin: germline. Not counted in ClinVar's aggregate classification.
Comment: Please see associated publication for description of ethnicities

Clinical Genetics DNA and cytogenetics Diagnostics Lab, Erasmus MC, Erasmus Medical Center
Classification: Benign. Review status: no assertion criteria provided. Collection method: clinical testing. Allele origin: germline. Affected: yes. Study: VKGL Data-share Consensus. Not counted in ClinVar's aggregate classification.

Diagnostic Laboratory, Department of Genetics, University Medical Center Groningen
Classification: Benign. Review status: no assertion criteria provided. Collection method: clinical testing. Allele origin: germline. Affected: yes. Study: VKGL Data-share Consensus. Not counted in ClinVar's aggregate classification.

Genome Diagnostics Laboratory, Amsterdam University Medical Center
Classification: Benign. Review status: no assertion criteria provided. Collection method: clinical testing. Allele origin: germline. Affected: yes. Study: VKGL Data-share Consensus. Not counted in ClinVar's aggregate classification.

Genome Diagnostics Laboratory, University Medical Center Utrecht
Classification: Likely benign. Review status: no assertion criteria provided. Collection method: clinical testing. Allele origin: germline. Affected: yes. Study: VKGL Data-share Consensus. Not counted in ClinVar's aggregate classification.

Joint Genome Diagnostic Labs from Nijmegen and Maastricht, Radboudumc and MUMC+
Classification: Likely benign. Review status: no assertion criteria provided. Collection method: clinical testing. Allele origin: germline. Affected: yes. Study: VKGL Data-share Consensus. Not counted in ClinVar's aggregate classification.

Laboratory of Diagnostic Genome Analysis, Leiden University Medical Center (LUMC)
Classification: Benign. Review status: no assertion criteria provided. Collection method: clinical testing. Allele origin: germline. Affected: yes. Study: VKGL Data-share Consensus. Not counted in ClinVar's aggregate classification.

University of Washington Center for Mendelian Genomics, University of Washington
Classification: Uncertain significance for hypoplastic left heart syndrome. Review status: no assertion criteria provided. Collection method: research. Allele origin: inherited. Affected: yes. Not counted in ClinVar's aggregate classification.

Literature cited by the submitters: PubMed 24943832 (cited by Women's Health and Genetics/Laboratory Corporation of America, LabCorp); PubMed 16614245 (cited by Women's Health and Genetics/Laboratory Corporation of America, LabCorp); PubMed 21670202 (cited by Women's Health and Genetics/Laboratory Corporation of America, LabCorp); PubMed 22210878 (cited by Women's Health and Genetics/Laboratory Corporation of America, LabCorp); PubMed 19635999 (cited by Women's Health and Genetics/Laboratory Corporation of America, LabCorp); PubMed 26837699 (cited by Women's Health and Genetics/Laboratory Corporation of America, LabCorp); PubMed 23086750 (cited by Women's Health and Genetics/Laboratory Corporation of America, LabCorp); PubMed 19245433 (cited by Women's Health and Genetics/Laboratory Corporation of America, LabCorp); PubMed 22077063 (cited by Women's Health and Genetics/Laboratory Corporation of America, LabCorp); PubMed 15472075 (cited by Women's Health and Genetics/Laboratory Corporation of America, LabCorp); PubMed 23734977 (cited by Women's Health and Genetics/Laboratory Corporation of America, LabCorp); PubMed 22858860 (cited by Women's Health and Genetics/Laboratory Corporation of America, LabCorp); PubMed 24728327 (cited by ITMI); PubMed 30511478 (cited by University of Washington Center for Mendelian Genomics, University of Washington).